The following is an entry in ClinVar:

ClinVar aggregate classification (germline): Uncertain significance. Review status: criteria provided, multiple submitters, no conflicts (2 of 4 stars). 2 submissions from 2 submitters: Uncertain significance (2). Last evaluated 2024-11-22.

Conditions:
Inborn genetic diseases. Identifiers: MedGen C0950123, MeSH D030342.
Schimke immuno-osseous dysplasia (SIOD). Also called: Schimke Immunoosseous Dysplasia. Identifiers: Orphanet 1830, MedGen C0877024, MONDO:0009458, OMIM 242900.

Allele frequency attached by ClinVar (database versions not stated): ExAC 0.00001; gnomAD 0.00002; TOPMed 0.00002; gnomAD exomes 0.00004; ESP Exome Variant Server 0.00008.
gnomAD v4.1: 60 of 1,613,796 alleles (0.0037%); highest among the groups gnomAD compares: Non-Finnish European, 0.0051%; no homozygotes.

Submissions (2):

Ambry Genetics
Classification: Uncertain significance for Inborn genetic diseases. Last evaluated: 2024-11-22. Review status: criteria provided, single submitter. Criteria: Ambry Variant Classification Scheme 2023. Collection method: clinical testing. Allele origin: germline.

Labcorp Genetics (formerly Invitae), Labcorp
Classification: Uncertain significance for Schimke immuno-osseous dysplasia. Last evaluated: 2021-08-24. Review status: criteria provided, single submitter. Criteria: Invitae Variant Classification Sherloc (09022015). Collection method: clinical testing. Allele origin: germline.
Comment: This sequence change replaces aspartic acid with glutamic acid at codon 623 of the SMARCAL1 protein (p.Asp623Glu). The aspartic acid residue is highly conserved and there is a small physicochemical difference between aspartic acid and glutamic acid. This variant is present in population databases (rs144394359, ExAC 0.002%). This variant has not been reported in the literature in individuals affected with SMARCAL1-related conditions. Algorithms developed to predict the effect of missense changes on protein structure and function are either unavailable or do not agree on the potential impact of this missense change (SIFT: "Tolerated"; PolyPhen-2: "Probably Damaging"; Align-GVGD: "Class C0"). In summary, the available evidence is currently insufficient to determine the role of this variant in disease. Therefore, it has been classified as a Variant of Uncertain Significance.

NM_014140.4(SMARCAL1):c.1869C>G (p.Asp623Glu)

Gene: SMARCAL1 (SNF2 related chromatin remodeling annealing helicase 1; plus strand). Cytogenetic location: 2q35.
Variant type: single nucleotide variant.
Coding change: c.1869C>G on transcript NM_014140.4 (MANE Select); coding-DNA position 1869, C replaced by G.
Protein change: p.Asp623Glu; replaces aspartic acid 623 with glutamic acid.
Molecular consequence: missense variant.
Genome position (GRCh38, 1-based): chr2:216,450,863, C>G. VCF-style: chr2-216450863-C-G. GRCh37 (hg19) VCF-style: chr2-217315586-C-G.
Other names: c.1869C>G, p.Asp623Glu (NM_001127207.2); short protein forms D623E.
Identifiers: ClinVar variation 2063338 (VCV002063338.2), dbSNP rs144394359, ClinGen allele CA2098044.